The following is an entry in ClinVar:

ClinVar aggregate classification (germline): Uncertain significance (1 of 4 stars; one submission).

Submission:

Labcorp Genetics (formerly Invitae), Labcorp
Classification: Uncertain significance. Last evaluated: 2021-11-05. Review status: criteria provided, single submitter. Criteria: Invitae Variant Classification Sherloc (09022015). Collection method: clinical testing. Allele origin: germline.
Comment: This sequence change replaces glutamine, which is neutral and polar, with arginine, which is basic and polar, at codon 1073 of the CNGB1 protein (p.Gln1073Arg). This variant has not been reported in the literature in individuals affected with CNGB1-related conditions. In summary, the available evidence is currently insufficient to determine the role of this variant in disease. Therefore, it has been classified as a Variant of Uncertain Significance. Advanced modeling of protein sequence and biophysical properties (such as structural, functional, and spatial information, amino acid conservation, physicochemical variation, residue mobility, and thermodynamic stability) performed at Invitae indicates that this missense variant is not expected to disrupt CNGB1 protein function. This variant is not present in population databases (gnomAD no frequency).

NM_001297.5(CNGB1):c.3218A>G (p.Gln1073Arg)

Gene: CNGB1 (cyclic nucleotide gated channel subunit beta 1; minus strand). Cytogenetic location: 16q21.
Variant type: single nucleotide variant.
Coding change: c.3218A>G on transcript NM_001297.5 (MANE Select); coding-DNA position 3218, A replaced by G.
Protein change: p.Gln1073Arg; replaces glutamine 1073 with arginine.
Molecular consequence: missense variant.
Genome position (GRCh38, 1-based): chr16:57,897,421, T>C on the plus strand (A>G on the coding strand, the complement: CNGB1 is on the minus strand). VCF-style: chr16-57897421-T-C. GRCh37 (hg19) VCF-style: chr16-57931325-T-C.
Other names: c.3200A>G, p.Gln1067Arg (NM_001286130.2); short protein forms Q1067R, Q1073R.
Identifiers: ClinVar variation 1391476 (VCV001391476.6), dbSNP rs1960261310, ClinGen allele CA396065845.
Genomic context (GRCh38, chr16:57,897,421, plus strand): 5'-AGCAATTTTTTATTAAACGAAAGAAAAGTTACATACCTGGCTTTCTTCCGGAGTAACTTC[T>C]GAGACTCAGGATAATGCACCAAAATCTCATTCAGGTCCTTCTTATCCAGGATGAAGAGGT-3'
Protein context (NP_001288.3, residues 1063-1083): NEILVHYPES[Gln1073Arg]KLLRKKARRM